The following is an entry in ClinVar:

NM_001165963.4(SCN1A):c.4555C>G (p.Pro1519Ala)

Genes: SCN1A (sodium voltage-gated channel alpha subunit 1; minus strand), LOC102724058 (uncharacterized LOC102724058; plus strand). Cytogenetic location: 2q24.3.
Variant type: single nucleotide variant.
Coding change: c.4555C>G on transcript NM_001165963.4 (MANE Select); coding-DNA position 4555, C replaced by G.
Protein change: p.Pro1519Ala; replaces proline 1519 with alanine.
Molecular consequence: missense variant. On other transcripts: non-coding transcript variant (1).
Genome position (GRCh38, 1-based): chr2:165,996,039, G>C on the plus strand (C>G on the coding strand, the complement: SCN1A is on the minus strand). VCF-style: chr2-165996039-G-C. GRCh37 (hg19) VCF-style: chr2-166852549-G-C.
Other names: c.4471C>G, p.Pro1491Ala (NM_001165964.3, NM_001353957.2, NM_001353958.2); c.4555C>G, p.Pro1519Ala (NM_001202435.3, NM_001353948.2); c.4522C>G, p.Pro1508Ala (NM_001353949.2, NM_001353950.2, NM_001353951.2 and 2 more transcripts); c.4519C>G, p.Pro1507Ala (NM_001353954.2, NM_001353955.2); c.4468C>G, p.Pro1490Ala (NM_001353960.2); c.2113C>G, p.Pro705Ala (NM_001353961.2); short protein forms P1490A, P1491A, P1508A, P1519A, P1507A, P705A.
Identifiers: ClinVar variation 1466998 (VCV001466998.9), dbSNP rs796053021, ClinGen allele CA349048588.

ClinVar aggregate classification (germline): Uncertain significance (1 of 4 stars; one submission).

Conditions:
Early-infantile DEE. Also called: Ohtahara syndrome; Early infantile epileptic encephalopathy with suppression bursts; Early infantile epileptic encephalopathy. Identifiers: Orphanet 1934, MedGen C0393706, MONDO:0800491.

Submission:

Labcorp Genetics (formerly Invitae), Labcorp
Classification: Uncertain significance for Early-infantile DEE. Last evaluated: 2022-08-09. Review status: criteria provided, single submitter. Criteria: Invitae Variant Classification Sherloc (09022015). Collection method: clinical testing. Allele origin: germline.
Comment: In summary, the available evidence is currently insufficient to determine the role of this variant in disease. Therefore, it has been classified as a Variant of Uncertain Significance. Advanced modeling of protein sequence and biophysical properties (such as structural, functional, and spatial information, amino acid conservation, physicochemical variation, residue mobility, and thermodynamic stability) performed at Invitae indicates that this missense variant is expected to disrupt SCN1A protein function. ClinVar contains an entry for this variant (Variation ID: 1466998). This variant has not been reported in the literature in individuals affected with SCN1A-related conditions. This variant is not present in population databases (gnomAD no frequency). This sequence change replaces proline, which is neutral and non-polar, with alanine, which is neutral and non-polar, at codon 1519 of the SCN1A protein (p.Pro1519Ala).